The following is an entry in ClinVar:

NM_000419.5(ITGA2B):c.1105C>T (p.His369Tyr)

Gene: ITGA2B (integrin subunit alpha 2b; minus strand). Cytogenetic location: 17q21.31.
Variant type: single nucleotide variant.
Coding change: c.1105C>T on transcript NM_000419.5 (MANE Select); coding-DNA position 1105, C replaced by T.
Protein change: p.His369Tyr; replaces histidine 369 with tyrosine.
Molecular consequence: missense variant.
Genome position (GRCh38, 1-based): chr17:44,383,598, G>A on the plus strand (C>T on the coding strand, the complement: ITGA2B is on the minus strand). VCF-style: chr17-44383598-G-A. GRCh37 (hg19) VCF-style: chr17-42460966-G-A.
Other names: short protein forms H369Y.
Identifiers: ClinVar variation 3686970 (VCV003686970.2).

ClinVar aggregate classification (germline): Uncertain significance (1 of 4 stars; one submission).

Conditions:
Glanzmann thrombasthenia. Also called: BLEEDING DISORDER, PLATELET-TYPE, 2; THROMBASTHENIA OF GLANZMANN AND NAEGELI; PLATELET GLYCOPROTEIN IIb-IIIa DEFICIENCY; Thrombasthenia; Glanzmann's thrombasthenia. Identifiers: Orphanet 849, MedGen C0040015, MONDO:0100326.

gnomAD v4.1: 1 of 1,610,618 alleles (0.000062%); no homozygotes.

Submission:

Labcorp Genetics (formerly Invitae), Labcorp
Classification: Uncertain significance for Glanzmann thrombasthenia. Last evaluated: 2024-10-11. Review status: criteria provided, single submitter. Criteria: Invitae Variant Classification Sherloc (09022015). Collection method: clinical testing. Allele origin: germline.
Comment: This sequence change replaces histidine, which is basic and polar, with tyrosine, which is neutral and polar, at codon 369 of the ITGA2B protein (p.His369Tyr). This variant is not present in population databases (gnomAD no frequency). This variant has not been reported in the literature in individuals affected with ITGA2B-related conditions. Invitae Evidence Modeling of protein sequence and biophysical properties (such as structural, functional, and spatial information, amino acid conservation, physicochemical variation, residue mobility, and thermodynamic stability) has been performed for this missense variant. However, the output from this modeling did not meet the statistical confidence thresholds required to predict the impact of this variant on ITGA2B protein function. In summary, the available evidence is currently insufficient to determine the role of this variant in disease. Therefore, it has been classified as a Variant of Uncertain Significance.